The following is an entry in ClinVar:

ClinVar aggregate classification (germline): Uncertain significance (1 of 4 stars; one submission).

Conditions:
Renal tubular acidosis, distal, 3, with or without sensorineural hearing loss (DRTA3). Identifiers: MedGen C5399980, MONDO:0011268, OMIM 602722.

Submission:

Juno Genomics, Hangzhou Juno Genomics, Inc
Classification: Uncertain significance for Renal tubular acidosis, distal, 3, with or without sensorineural hearing loss. Review status: criteria provided, single submitter. Criteria: ACMG Guidelines, 2015. Collection method: clinical testing. Allele origin: germline.
Comment: Absent from controls (or at extremely low frequency if recessive) in Genome Aggregation Database.;Multiple lines of computational evidence support a deleterious effect on the gene or gene product.

NM_020632.3(ATP6V0A4):c.2222A>G (p.Tyr741Cys)

Gene: ATP6V0A4 (ATPase H+ transporting V0 subunit a4; minus strand). Cytogenetic location: 7q34.
Variant type: single nucleotide variant.
Coding change: c.2222A>G on transcript NM_020632.3 (MANE Select); coding-DNA position 2222, A replaced by G.
Protein change: p.Tyr741Cys; replaces tyrosine 741 with cysteine.
Molecular consequence: missense variant.
Genome position (GRCh38, 1-based): chr7:138,715,799, T>C on the plus strand (A>G on the coding strand, the complement: ATP6V0A4 is on the minus strand). VCF-style: chr7-138715799-T-C. GRCh37 (hg19) VCF-style: chr7-138400544-T-C.
Other names: c.2222A>G, p.Tyr741Cys (NM_130840.3, NM_130841.3); short protein forms Y741C.
Identifiers: ClinVar variation 5007159 (VCV005007159.2).
Genomic context (GRCh38, chr7:138,715,799, plus strand): 5'-TCCCCCCGATGGGCTGCTCACTCACGTGCATGAGCCAGGCTGAGGGCCCAGAGCCGCAGG[T>C]AGGAGGCTGTGTTTGAAATGCAGCCCAGGCAGTACTCGATGGTGTGGATGGCTTGGTGGA-3'
Protein context (NP_065683.2, residues 731-751): CLGCISNTAS[Tyr741Cys]LRLWALSLAH